The following is an entry in ClinVar:

ClinVar aggregate classification (germline): Benign (1 of 4 stars; one submission).

Conditions:
Acrodysostosis 2 with or without hormone resistance. Also called: ACRODYSOSTOSIS 2 WITH HORMONE RESISTANCE; ACRODYSOSTOSIS 2 WITHOUT HORMONE RESISTANCE. Identifiers: Orphanet 280651, MedGen C3553250, MONDO:0013822, OMIM 614613.

Allele frequency attached by ClinVar (database versions not stated): TOPMed 0.00033; 1000 Genomes Project 0.00060; 1000 Genomes Project 30x 0.00078; gnomAD 0.00109 and 0.00115.

Submission:

Illumina Laboratory Services, Illumina
Classification: Benign for Acrodysostosis 2 with or without hormone resistance. Last evaluated: 2018-01-12. Review status: criteria provided, single submitter. Criteria: ICSL Variant Classification Criteria 13 December 2019. Collection method: clinical testing. Allele origin: germline.
Comment: This variant was observed in the ICSL laboratory as part of a predisposition screen in an ostensibly healthy population. It had not been previously curated by ICSL or reported in the Human Gene Mutation Database (HGMD: prior to June 1st, 2018), and was therefore a candidate for classification through an automated scoring system. Utilizing variant allele frequency, disease prevalence and penetrance estimates, and inheritance mode, an automated score was calculated to assess if this variant is too frequent to cause the disease. Based on the score and internal cut-off values, a variant classified as benign is not then subjected to further curation. The score for this variant resulted in a classification of benign for this disease.

NM_001104631.2(PDE4D):c.*4622G>T

Gene: PDE4D (phosphodiesterase 4D; minus strand). Cytogenetic location: 5q11.2.
Variant type: single nucleotide variant.
Coding change: c.*4622G>T on transcript NM_001104631.2 (MANE Select); 4622 bases downstream of the stop codon, G replaced by T.
Molecular consequence: 3 prime UTR variant.
Genome position (GRCh38, 1-based): chr5:58,970,042, C>A on the plus strand (G>T on the coding strand, the complement: PDE4D is on the minus strand). VCF-style: chr5-58970042-C-A. GRCh37 (hg19) VCF-style: chr5-58265869-C-A.
Other names: c.*4622G>T (NM_001165899.2, NM_001197218.2, NM_001197219.2 and 11 more transcripts).
Identifiers: ClinVar variation 353921 (VCV000353921.5), dbSNP rs532407753, ClinGen allele CA10624796.